The following is an entry in ClinVar:

ClinVar aggregate classification (germline): Uncertain significance (1 of 4 stars; one submission).

Submission:

Labcorp Genetics (formerly Invitae), Labcorp
Classification: Uncertain significance. Last evaluated: 2022-11-15. Review status: criteria provided, single submitter. Criteria: Invitae Variant Classification Sherloc (09022015). Collection method: clinical testing. Allele origin: germline.
Comment: This variant has not been reported in the literature in individuals affected with EPRS-related conditions. ClinVar contains an entry for this variant (Variation ID: 1680959). Algorithms developed to predict the effect of missense changes on protein structure and function output the following: SIFT: "Tolerated"; PolyPhen-2: "Benign"; Align-GVGD: "Class C0". The serine amino acid residue is found in multiple mammalian species, which suggests that this missense change does not adversely affect protein function. In summary, the available evidence is currently insufficient to determine the role of this variant in disease. Therefore, it has been classified as a Variant of Uncertain Significance. This variant is not present in population databases (gnomAD no frequency). This sequence change replaces asparagine, which is neutral and polar, with serine, which is neutral and polar, at codon 743 of the EPRS protein (p.Asn743Ser).

NM_004446.3(EPRS1):c.2228A>G (p.Asn743Ser)

Gene: EPRS1 (glutamyl-prolyl-tRNA synthetase 1; minus strand). Cytogenetic location: 1q41.
Variant type: single nucleotide variant.
Coding change: c.2228A>G on transcript NM_004446.3 (MANE Select); coding-DNA position 2228, A replaced by G.
Protein change: p.Asn743Ser; replaces asparagine 743 with serine.
Molecular consequence: missense variant.
Genome position (GRCh38, 1-based): chr1:219,997,296, T>C on the plus strand (A>G on the coding strand, the complement: EPRS1 is on the minus strand). VCF-style: chr1-219997296-T-C. GRCh37 (hg19) VCF-style: chr1-220170638-T-C.
Other names: short protein forms N743S.
Identifiers: ClinVar variation 1680959 (VCV001680959.8), dbSNP rs2102574362, ClinGen allele CA344647875.